The following is an entry in ClinVar:

ClinVar aggregate classification (germline): Benign. Review status: reviewed by expert panel (3 of 4 stars). 18 submissions from 15 submitters: Benign (1). 17 of the submissions do not count toward it. Last evaluated 2017-04-18.

Conditions:
Noonan syndrome and Noonan-related syndrome. Identifiers: Orphanet 98733, MedGen C5681679, MONDO:0020297.
Cardiovascular phenotype. Identifiers: MedGen CN230736.
Noonan syndrome 1 (NS1). Also called: TURNER PHENOTYPE WITH NORMAL KARYOTYPE; PTPN11-Related Noonan Syndrome; FEMALE PSEUDO-TURNER SYNDROME. Identifiers: Orphanet 648, MedGen C4551602, MONDO:0008104, OMIM 163950. Disease mechanism: gain of function.
Juvenile myelomonocytic leukemia (JMML). Also called: LEUKEMIA, JUVENILE MYELOMONOCYTIC, SOMATIC. Identifiers: Orphanet 86834, MedGen C0349639, MONDO:0011908, OMIM 607785, HP:0012209.
LEOPARD syndrome 1 (LPRD1). Also called: PTPN11-Related LEOPARD Syndrome; LENTIGINOSIS, CARDIOMYOPATHIC; MULTIPLE LENTIGINES SYNDROME. Identifiers: Orphanet 500, MedGen C4551484, MONDO:0100082, OMIM 151100.
Metachondromatosis (METCDS). Identifiers: Orphanet 2499, MedGen C0410530, MONDO:0007979, OMIM 156250.
RASopathy. Also called: rasopathies; Noonan spectrum disorder. Identifiers: Orphanet 536391, MedGen C5555857, MONDO:0021060.

Allele frequency attached by ClinVar (database versions not stated): ESP Exome Variant Server 0.00008; gnomAD 0.00011 and 0.00017; TOPMed 0.00014; gnomAD exomes 0.00026 and 0.00047; 1000 Genomes Project 30x 0.00047; ExAC 0.00049.
gnomAD v4.1: 419 of 1,613,750 alleles (0.026%); highest among the groups gnomAD compares: South Asian, 0.27%; 3 homozygotes.

Submissions (18):

ClinGen RASopathy Variant Curation Expert Panel
Classification: Benign for Noonan syndrome and Noonan-related syndrome. Last evaluated: 2017-04-18. Review status: reviewed by expert panel. Criteria: ClinGen RASopathy ACMG Specifications v1. Collection method: curation. Allele origin: germline. Inheritance: Autosomal dominant inheritance.
Comment: The filtering allele frequency of the c.558G>T (p.Arg186=) variant in the PTPN11 gene is 0.231% (49/16504) of South Asian chromosomes by the Exome Aggregation Consortium, which is a high enough frequency to be classified as benign based on thresholds defined by the ClinGen RASopathy Expert Panel (BA1; PMID:29493581)

CeGaT Center for Human Genetics Tuebingen
Classification: Likely benign. Last evaluated: 2026-06-01. Review status: criteria provided, single submitter. Criteria: CeGaT Center For Human Genetics Tuebingen Variant Classification Criteria Version 2. Collection method: clinical testing. Allele origin: germline. Affected: yes. Observed: 4 variant alleles. Not counted in ClinVar's aggregate classification.
Comment: PTPN11: BP4, BP7, BS1

Labcorp Genetics (formerly Invitae), Labcorp
Classification: Benign for RASopathy. Last evaluated: 2026-02-03. Review status: criteria provided, single submitter. Criteria: Invitae Variant Classification Sherloc (09022015). Collection method: clinical testing. Allele origin: germline. Not counted in ClinVar's aggregate classification.

KCCC/NGS Laboratory, Kuwait Cancer Control Center
Classification: Benign for Metachondromatosis. Last evaluated: 2025-02-01. Review status: criteria provided, single submitter. Criteria: ACMG Guidelines, 2015. Collection method: clinical testing. Allele origin: germline. Affected: no. Not counted in ClinVar's aggregate classification.

Blueprint Genetics
Classification: Likely benign. Last evaluated: 2024-06-18. Review status: criteria provided, single submitter. Criteria: ACMG Guidelines, 2015. Collection method: clinical testing. Allele origin: germline. Not counted in ClinVar's aggregate classification.

KCCC/NGS Laboratory, Kuwait Cancer Control Center
Classification: Benign for Juvenile myelomonocytic leukemia. Last evaluated: 2023-07-07. Review status: criteria provided, single submitter. Criteria: ACMG Guidelines, 2015. Collection method: clinical testing. Allele origin: germline. Affected: yes. Not counted in ClinVar's aggregate classification.

Fulgent Genetics
Classification: Likely benign for LEOPARD syndrome 1; Metachondromatosis; Noonan syndrome 1; Juvenile myelomonocytic leukemia. Last evaluated: 2022-04-25. Review status: criteria provided, single submitter. Criteria: ACMG Guidelines, 2015. Collection method: clinical testing. Allele origin: unknown. Not counted in ClinVar's aggregate classification.

Genome Diagnostics Laboratory, The Hospital for Sick Children
Classification: Likely benign for Noonan syndrome and Noonan-related syndrome. Last evaluated: 2020-12-01. Review status: criteria provided, single submitter. Criteria: ACMG Guidelines, 2015. Collection method: clinical testing. Allele origin: germline. Not counted in ClinVar's aggregate classification.

Genetic Services Laboratory, University of Chicago
Classification: Likely benign. Last evaluated: 2020-05-15. Review status: criteria provided, single submitter. Criteria: ACMG Guidelines, 2015. Collection method: clinical testing. Allele origin: germline. Affected: no. Not counted in ClinVar's aggregate classification.

ARUP Laboratories, Molecular Genetics and Genomics, ARUP Laboratories
Classification: Benign. Last evaluated: 2019-05-18. Review status: criteria provided, single submitter. Criteria: ARUP Molecular Germline Variant Investigation Process. Collection method: clinical testing. Allele origin: germline. Not counted in ClinVar's aggregate classification.

Illumina Laboratory Services, Illumina
Classification: Benign for Metachondromatosis. Last evaluated: 2018-01-12. Review status: criteria provided, single submitter. Criteria: ICSL Variant Classification Criteria 13 December 2019. Collection method: clinical testing. Allele origin: germline. Not counted in ClinVar's aggregate classification.
Comment: This variant was observed in the ICSL laboratory as part of a predisposition screen in an ostensibly healthy population. It had not been previously curated by ICSL or reported in the Human Gene Mutation Database (HGMD: prior to June 1st, 2018), and was therefore a candidate for classification through an automated scoring system. Utilizing variant allele frequency, disease prevalence and penetrance estimates, and inheritance mode, an automated score was calculated to assess if this variant is too frequent to cause the disease. Based on the score and internal cut-off values, a variant classified as benign is not then subjected to further curation. The score for this variant resulted in a classification of benign for this disease.

Illumina Laboratory Services, Illumina
Classification: Likely benign for Noonan syndrome 1. Last evaluated: 2018-01-12. Review status: criteria provided, single submitter. Criteria: ICSL Variant Classification Criteria 13 December 2019. Collection method: clinical testing. Allele origin: germline. Not counted in ClinVar's aggregate classification.
Comment: This variant was observed in the ICSL laboratory as part of a predisposition screen in an ostensibly healthy population. It had not been previously curated by ICSL or reported in the Human Gene Mutation Database (HGMD: prior to June 1st, 2018), and was therefore a candidate for classification through an automated scoring system. Utilizing variant allele frequency, disease prevalence and penetrance estimates, and inheritance mode, an automated score was calculated to assess if this variant is too frequent to cause the disease. Based on the score and internal cut-off values, a variant classified as likely benign is not then subjected to further curation. The score for this variant resulted in a classification of likely benign for this disease.

Illumina Laboratory Services, Illumina
Classification: Benign for LEOPARD syndrome 1. Last evaluated: 2018-01-12. Review status: criteria provided, single submitter. Criteria: ICSL Variant Classification Criteria 13 December 2019. Collection method: clinical testing. Allele origin: germline. Not counted in ClinVar's aggregate classification.
Comment: the same text as in the submission from Illumina Laboratory Services, Illumina above.

Ambry Genetics
Classification: Likely benign for Cardiovascular phenotype. Last evaluated: 2017-02-03. Review status: criteria provided, single submitter. Criteria: Ambry Variant Classification Scheme 2023. Collection method: clinical testing. Allele origin: germline. Not counted in ClinVar's aggregate classification.

Women's Health and Genetics/Laboratory Corporation of America, LabCorp
Classification: Benign. Last evaluated: 2016-10-31. Review status: criteria provided, single submitter. Criteria: LabCorp Variant Classification Summary - May 2015. Collection method: clinical testing. Allele origin: germline. Not counted in ClinVar's aggregate classification.
Comment: Variant summary: The PTPN11 c.558G>T (p.Arg186Arg) variant causes a synonymous change involving a non-conserved nucleotide with 3/5 splice prediction tools predict no significant impact on normal splicing and no alterations to ESE binding, although these predictions have yet to be functionally assessed. The variant of interest was observed in the large, broad control population, ExAC, with an allele frequency of 60/121366 (1/2022, 1 homozygote), predominantly observed in the South Asian cohort, 49/16504 (1/336, 1 homozygote), which significantly exceeds the estimated maximal expected allele frequency for a pathogenic PTPN11 variant of 1/16000. Therefore, suggesting the variant is a common polymorphism found in population(s) of South Asian origin. The variant of interest has not, to our knowledge, been reported in affected individuals via publications. However, multiple clinical diagnostic laboratories/databases cite the variant as "likely benign." Therefore, the variant of interest has been classified as Benign.

GeneDx
Classification: Benign. Last evaluated: 2015-07-28. Review status: criteria provided, single submitter. Criteria: GeneDx Variant Classification (06012015). Collection method: clinical testing. Allele origin: germline. Affected: yes. Not counted in ClinVar's aggregate classification.
Comment: This variant is considered likely benign or benign based on one or more of the following criteria: it is a conservative change, it occurs at a poorly conserved position in the protein, it is predicted to be benign by multiple in silico algorithms, and/or has population frequency not consistent with disease.

Laboratory for Molecular Medicine, Mass General Brigham Personalized Medicine
Classification: Likely benign. Last evaluated: 2012-03-19. Review status: criteria provided, single submitter. Criteria: LMM Criteria. Collection method: clinical testing. Allele origin: germline. Observed: 2 variant alleles. Not counted in ClinVar's aggregate classification.
Comment: p.Arg186Arg in Exon 05 of PTPN11: This variant is not expected to have clinical significance because it does not alter an amino acid residue, is not located wit hin the splice consensus sequence. It has been identified in 1/3738 African Amer ican chromosomes from a broad population by the NHLBI Exome Sequencing Project.

PreventionGenetics, part of Exact Sciences
Classification: Likely benign. Review status: criteria provided, single submitter. Criteria: ACMG Guidelines, 2015. Collection method: clinical testing. Allele origin: germline. Not counted in ClinVar's aggregate classification.

NM_002834.5(PTPN11):c.558G>T (p.Arg186=)

Gene: PTPN11 (protein tyrosine phosphatase non-receptor type 11; plus strand). Cytogenetic location: 12q24.13.
Variant type: single nucleotide variant.
Coding change: c.558G>T on transcript NM_002834.5 (MANE Select); coding-DNA position 558, G replaced by T.
Protein change: p.Arg186=; no amino-acid change (arginine 186 retained).
Molecular consequence: synonymous variant.
Genome position (GRCh38, 1-based): chr12:112,454,596, G>T. VCF-style: chr12-112454596-G-T. GRCh37 (hg19) VCF-style: chr12-112892400-G-T.
Other names: NM_002834.4(PTPN11):c.558G>T; c.558G>T, p.Arg186= (NM_001330437.2, NM_080601.3); c.555G>T, p.Arg185= (NM_001374625.1).
Identifiers: ClinVar variation 178109 (VCV000178109.62), dbSNP rs200920312, ClinGen allele CA181422.